The following is an entry in ClinVar:

ClinVar aggregate classification (germline): Uncertain significance (1 of 4 stars; one submission).

Submission:

Labcorp Genetics (formerly Invitae), Labcorp
Classification: Uncertain significance. Last evaluated: 2023-06-15. Review status: criteria provided, single submitter. Criteria: Invitae Variant Classification Sherloc (09022015). Collection method: clinical testing. Allele origin: germline.
Comment: This sequence change replaces aspartic acid, which is acidic and polar, with histidine, which is basic and polar, at codon 1301 of the COL2A1 protein (p.Asp1301His). This variant is not present in population databases (gnomAD no frequency). This variant has not been reported in the literature in individuals affected with COL2A1-related conditions. Advanced modeling of protein sequence and biophysical properties (such as structural, functional, and spatial information, amino acid conservation, physicochemical variation, residue mobility, and thermodynamic stability) performed at Invitae indicates that this missense variant is expected to disrupt COL2A1 protein function. In summary, the available evidence is currently insufficient to determine the role of this variant in disease. Therefore, it has been classified as a Variant of Uncertain Significance.

NM_001844.5(COL2A1):c.3901G>C (p.Asp1301His)

Gene: COL2A1 (collagen type II alpha 1 chain; minus strand). Cytogenetic location: 12q13.11.
Variant type: single nucleotide variant.
Coding change: c.3901G>C on transcript NM_001844.5 (MANE Select); coding-DNA position 3901, G replaced by C.
Protein change: p.Asp1301His; replaces aspartic acid 1301 with histidine.
Molecular consequence: missense variant.
Genome position (GRCh38, 1-based): chr12:47,974,848, C>G on the plus strand (G>C on the coding strand, the complement: COL2A1 is on the minus strand). VCF-style: chr12-47974848-C-G. GRCh37 (hg19) VCF-style: chr12-48368631-C-G.
Other names: c.3694G>C, p.Asp1232His (NM_033150.3); short protein forms D1232H, D1301H.
Identifiers: ClinVar variation 2840004 (VCV002840004.3), dbSNP rs2540097824, ClinGen allele CA384536164.
Genomic context (GRCh38, chr12:47,974,848, plus strand): 5'-CGCCAGTCTCCATGTTGCAGAAAACCTTCATGGCGTCCAAGGTGCAGCCTTGGTTGGGGT[C>G]AATCCAGTAGTCTCCTGCAGGGGGAAGAGGCAGCACCCATGGGGGCTCAGACAGGCACAG-3'
Protein context (NP_001835.3, residues 1291-1311): PEWKSGDYWI[Asp1301His]PNQGCTLDAM